The following is an entry in ClinVar:

ClinVar aggregate classification (germline): Pathogenic. Review status: criteria provided, multiple submitters, no conflicts (2 of 4 stars). 4 submissions from 4 submitters: Pathogenic (4). Last evaluated 2024-11-19.

Conditions:
Lissencephaly due to LIS1 mutation (LIS1). Also called: PAFAH1B1-Associated Lissencephaly/Subcortical Band Heterotopia; PAFAH1B1-Related Lissencephaly/Subcortical Band Heterotopia; Isolated Lissencephaly Sequence. Identifiers: Orphanet 95232, MedGen C4749301, MONDO:0011830, OMIM 607432.

Submissions (4):

Labcorp Genetics (formerly Invitae), Labcorp
Classification: Pathogenic. Last evaluated: 2024-11-19. Review status: criteria provided, single submitter. Criteria: Invitae Variant Classification Sherloc (09022015). Collection method: clinical testing. Allele origin: germline.
Comment: This sequence change creates a premature translational stop signal (p.Arg89*) in the PAFAH1B1 gene. It is expected to result in an absent or disrupted protein product. Loss-of-function variants in PAFAH1B1 are known to be pathogenic (PMID: 1671808, 11115846, 14581661). This variant is not present in population databases (gnomAD no frequency). This premature translational stop signal has been observed in individual(s) with lissencephaly (PMID: 11115846, 33176815). ClinVar contains an entry for this variant (Variation ID: 159512). For these reasons, this variant has been classified as Pathogenic.

3billion
Classification: Pathogenic for Lissencephaly due to LIS1 mutation. Last evaluated: 2022-01-03. Review status: criteria provided, single submitter. Criteria: ACMG Guidelines, 2015. Collection method: clinical testing. Allele origin: germline. Affected: yes. Observed: 1 heterozygote.
Comment: The variant has been reported at least twice as pathogenic/likely pathogenic with clinical assertions and evidence for the classification (ClinVar ID: VCV000159512, PMID:11115846). Stop-gained (nonsense): predicted to result in a loss or disruption of normal protein function through nonsense-mediated decay (NMD) or protein truncation. Multiple pathogenic variants are reported downstream of the variant (PVS1_VS). It is not observed in the gnomAD v2.1.1 dataset (PM2_M). Therefore, this variant is classified as pathogenic according to the recommendation of ACMG/AMP guideline.

GeneDx
Classification: Pathogenic. Last evaluated: 2020-11-09. Review status: criteria provided, single submitter. Criteria: GeneDx Variant Classification Process June 2021. Collection method: clinical testing. Allele origin: germline. Affected: yes.
Comment: Not observed in large population cohorts (Lek et al., 2016); Nonsense variant predicted to result in protein truncation or nonsense mediated decay in a gene for which loss-of-function is a known mechanism of disease; This variant is associated with the following publications: (PMID: 11754098, 25525159, 11115846, 33176815)

Genetic Services Laboratory, University of Chicago
Classification: Pathogenic for Lissencephaly 1. Last evaluated: 2013-02-08. Review status: criteria provided, single submitter. Criteria: ACMG Guidelines, 2007. Collection method: clinical testing. Allele origin: germline. Inheritance: Autosomal dominant inheritance. Affected: yes.

Literature cited by the submitters: PubMed 1671808 (cited by Labcorp Genetics (formerly Invitae), Labcorp); PubMed 11115846 (cited by Labcorp Genetics (formerly Invitae), Labcorp and 3billion); PubMed 14581661 (cited by Labcorp Genetics (formerly Invitae), Labcorp); PubMed 33176815 (cited by Labcorp Genetics (formerly Invitae), Labcorp).

NM_000430.4(PAFAH1B1):c.265C>T (p.Arg89Ter)

Gene: PAFAH1B1 (platelet activating factor acetylhydrolase 1b regulatory subunit 1; plus strand). Cytogenetic location: 17p13.3.
Variant type: single nucleotide variant.
Coding change: c.265C>T on transcript NM_000430.4 (MANE Select); coding-DNA position 265, C replaced by T.
Protein change: p.Arg89Ter; replaces arginine 89 with a stop codon.
Molecular consequence: nonsense.
Genome position (GRCh38, 1-based): chr17:2,667,064, C>T. VCF-style: chr17-2667064-C-T. GRCh37 (hg19) VCF-style: chr17-2570358-C-T.
Other names: short protein forms R89*.
Identifiers: ClinVar variation 159512 (VCV000159512.13), dbSNP rs587784258, ClinGen allele CA272395.
Genomic context (GRCh38, chr17:2,667,064, plus strand): 5'-GAATCAAAGCTAAATGAAGCAAAAGAAGAATTTACGTCAGGTGGACCTCTTGGTCAGAAA[C>T]GAGACCCAAAAGAATGGATTCCCCGTCCGCCAGAAAAATATGCATTGAGTGGTCACAGGA-3'